The following is an entry in ClinVar:

ClinVar aggregate classification (germline): Uncertain significance. Review status: criteria provided, multiple submitters, no conflicts (2 of 4 stars). 2 submissions from 2 submitters: Uncertain significance (2). Last evaluated 2023-02-08.

Conditions:
Inborn genetic diseases. Identifiers: MedGen C0950123, MeSH D030342.
COL4A2-related disorder. Also called: COL4A2-related disorders; COL4A2-related condition.

gnomAD v4.1: 9 of 1,613,680 alleles (0.00056%); highest among the groups gnomAD compares: Non-Finnish European, 0.00076%; no homozygotes.

Submissions (2):

PreventionGenetics, part of Exact Sciences
Classification: Uncertain significance for COL4A2-related condition. Last evaluated: 2023-02-08. Review status: criteria provided, single submitter. Criteria: ACMG Guidelines, 2015. Collection method: clinical testing. Allele origin: germline.
Comment: The COL4A2 c.3169C>T variant is predicted to result in the amino acid substitution p.Pro1057Ser. To our knowledge, this variant has not been reported in the literature or in a large population database, indicating this variant is rare. At this time, the clinical significance of this variant is uncertain due to the absence of conclusive functional and genetic evidence.

Ambry Genetics
Classification: Uncertain significance for Inborn genetic diseases. Last evaluated: 2022-12-16. Review status: criteria provided, single submitter. Criteria: Ambry Variant Classification Scheme 2023. Collection method: clinical testing. Allele origin: germline.

NM_001846.4(COL4A2):c.3169C>T (p.Pro1057Ser)

Gene: COL4A2 (collagen type IV alpha 2 chain; plus strand). Cytogenetic location: 13q34.
Variant type: single nucleotide variant.
Coding change: c.3169C>T on transcript NM_001846.4 (MANE Select); coding-DNA position 3169, C replaced by T.
Protein change: p.Pro1057Ser; replaces proline 1057 with serine.
Molecular consequence: missense variant.
Genome position (GRCh38, 1-based): chr13:110,485,798, C>T. VCF-style: chr13-110485798-C-T. GRCh37 (hg19) VCF-style: chr13-111138145-C-T.
Other names: c.3169C>T (NM_001846.3); short protein forms P1057S.
Identifiers: ClinVar variation 2336039 (VCV002336039.3), dbSNP rs201763437, ClinGen allele CA388729507.